The following is an entry in ClinVar:

NM_005431.2(XRCC2):c.223del (p.Glu75fs)

Gene: XRCC2 (X-ray repair cross complementing 2; minus strand). Cytogenetic location: 7q36.1.
Variant type: Deletion.
Coding change: c.223del on transcript NM_005431.2 (MANE Select); coding-DNA position 223, one base deleted (G; older notation c.223delG).
Protein change: p.Glu75fs; shifts the reading frame from glutamic acid 75.
Molecular consequence: frameshift variant.
Genome position (GRCh38, 1-based): chr7:152,649,262, C deleted on the plus strand (G on the coding strand, the reverse complement: XRCC2 is on the minus strand); the first of 2 consecutive C bases (chr7:152,649,262-152,649,263); deleting either gives the same sequence. VCF-style (leftmost placement, unchanged base first): chr7-152649261-TC-T. GRCh37 (hg19) VCF-style: chr7-152346346-TC-T.
Other names: short protein forms E75fs.
Identifiers: ClinVar variation 2913492 (VCV002913492.3), dbSNP rs2485881917, ClinGen allele CA2739278259.

ClinVar aggregate classification (germline): Uncertain significance (1 of 4 stars; one submission).

Submission:

Labcorp Genetics (formerly Invitae), Labcorp
Classification: Uncertain significance. Last evaluated: 2023-07-19. Review status: criteria provided, single submitter. Criteria: Invitae Variant Classification Sherloc (09022015). Collection method: clinical testing. Allele origin: germline.
Comment: In summary, the available evidence is currently insufficient to determine the role of this variant in disease. Therefore, it has been classified as a Variant of Uncertain Significance. Experimental studies and prediction algorithms are not available or were not evaluated, and the functional significance of this variant is currently unknown. This variant has not been reported in the literature in individuals affected with XRCC2-related conditions. This variant is not present in population databases (gnomAD no frequency). This sequence change creates a premature translational stop signal (p.Glu75Lysfs*2) in the XRCC2 gene. While this is not anticipated to result in nonsense mediated decay, it is expected to disrupt the last 206 amino acid(s) of the XRCC2 protein.